The following is an entry in ClinVar:

ClinVar aggregate classification (germline): Likely pathogenic (1 of 4 stars; one submission).

Conditions:
Dilated cardiomyopathy 1G (CMD1G). Identifiers: Orphanet 154, MedGen C1858763, MONDO:0011400, OMIM 604145.
Autosomal recessive limb-girdle muscular dystrophy type 2J (LGMDR10). Also called: Limb-girdle muscular dystrophy, type 2J; MUSCULAR DYSTROPHY, LIMB-GIRDLE, AUTOSOMAL RECESSIVE 10. Identifiers: Orphanet 140922, MedGen C1837342, MONDO:0012127, OMIM 608807.

Submission:

Labcorp Genetics (formerly Invitae), Labcorp
Classification: Likely pathogenic for Dilated cardiomyopathy 1G; Autosomal recessive limb-girdle muscular dystrophy type 2J. Last evaluated: 2024-10-16. Review status: criteria provided, single submitter. Criteria: Invitae Variant Classification Sherloc (09022015). Collection method: clinical testing. Allele origin: germline.
Comment: This sequence change creates a premature translational stop signal (p.Ala14179Glyfs*14) in the TTN gene. While this is not anticipated to result in nonsense mediated decay, it is expected to create a truncated TTN protein. This variant is not present in population databases (gnomAD no frequency). This variant has not been reported in the literature in individuals affected with TTN-related conditions. This variant is located in the I band of TTN (PMID: 25589632). Truncating variants in this region have been reported in individuals affected with autosomal recessive centronuclear myopathy (PMID: 23975875, internal data). Truncating variants in this region have also been identified in individuals affected with autosomal dominant dilated cardiomyopathy and/or cardio-related conditions (PMID: 27869827, 32964742, internal data). In summary, the currently available evidence indicates that the variant is pathogenic, but additional data are needed to prove that conclusively. Therefore, this variant has been classified as Likely Pathogenic.

Literature cited by the submitters: PubMed 25589632; PubMed 23975875; PubMed 27869827; PubMed 32964742.

NM_001267550.2(TTN):c.42535dup (p.Ala14179fs)

Gene: TTN (titin; minus strand). Cytogenetic location: 2q31.2.
Variant type: Duplication.
Coding change: c.42535dup on transcript NM_001267550.2 (MANE Select); coding-DNA position 42535, one base duplicated (G; older notation c.42535dupG).
Protein change: p.Ala14179fs; shifts the reading frame from alanine 14179.
Molecular consequence: frameshift variant.
Genome position (GRCh38, 1-based): chr2:178,633,964, C duplicated on the plus strand (G on the coding strand, the reverse complement: TTN is on the minus strand). VCF-style (leftmost placement, unchanged base first): chr2-178633963-G-GC. GRCh37 (hg19) VCF-style: chr2-179498690-G-GC.
Other names: c.37612dup, p.Ala12538fs (NM_001256850.1); c.15340dup, p.Ala5114fs (NM_003319.4); c.34831dup, p.Ala11611fs (NM_133378.4); c.15715dup, p.Ala5239fs (NM_133432.3); c.15916dup, p.Ala5306fs (NM_133437.4); short protein forms A11611fs, A12538fs, A14179fs, A5114fs, A5239fs, A5306fs.
Identifiers: ClinVar variation 3759486 (VCV003759486.2).
Genomic context (GRCh38, chr2:178,633,963, plus strand): 5'-TCCAATTTGTGAGTCTTGCCCTCAGAAGAGATGAGTACTGTTCTGCTTGTATGGAGTTTG[G>GC]CATCATTTTTGAACCAGACTACATGCATTTTTTCATGAGAAAGTTCACAAACAAAAGTTG-3'